The following is an entry in ClinVar:

NM_001267550.2(TTN):c.21966G>A (p.Pro7322=)

Gene: TTN (titin; minus strand). Cytogenetic location: 2q31.2.
Variant type: single nucleotide variant.
Coding change: c.21966G>A on transcript NM_001267550.2 (MANE Select); coding-DNA position 21966, G replaced by A.
Protein change: p.Pro7322=; no amino-acid change (proline 7322 retained).
Molecular consequence: synonymous variant. On other transcripts: intron variant (3).
Genome position (GRCh38, 1-based): chr2:178,722,933, C>T on the plus strand (G>A on the coding strand, the complement: TTN is on the minus strand). VCF-style: chr2-178722933-C-T. GRCh37 (hg19) VCF-style: chr2-179587660-C-T.
Other names: c.21015G>A, p.Pro7005= (NM_001256850.1); c.18234G>A, p.Pro6078= (NM_133378.4); c.13282+15149G>A (NM_003319.4); c.13858+15149G>A (NM_133437.4); c.13657+15149G>A (NM_133432.3).
Identifiers: ClinVar variation 383323 (VCV000383323.11), dbSNP rs773546767, ClinGen allele CA2000912.

ClinVar aggregate classification (germline): Likely benign. Review status: criteria provided, multiple submitters, no conflicts (2 of 4 stars). 4 submissions from 4 submitters: Likely benign (4). Last evaluated 2025-11-09.

Conditions:
Dilated cardiomyopathy 1G (CMD1G). Identifiers: Orphanet 154, MedGen C1858763, MONDO:0011400, OMIM 604145.
Autosomal recessive limb-girdle muscular dystrophy type 2J (LGMDR10). Also called: Limb-girdle muscular dystrophy, type 2J; MUSCULAR DYSTROPHY, LIMB-GIRDLE, AUTOSOMAL RECESSIVE 10. Identifiers: Orphanet 140922, MedGen C1837342, MONDO:0012127, OMIM 608807.

Allele frequency attached by ClinVar (database versions not stated): gnomAD exomes 0.00001; gnomAD 0.00002 and 0.00003; ExAC 0.00003; TOPMed 0.00003.
gnomAD v4.1: 15 of 1,608,862 alleles (0.00093%); highest among the groups gnomAD compares: Admixed American, 0.0051%; no homozygotes.

Submissions (4):

Labcorp Genetics (formerly Invitae), Labcorp
Classification: Likely benign for Dilated cardiomyopathy 1G; Autosomal recessive limb-girdle muscular dystrophy type 2J. Last evaluated: 2025-11-09. Review status: criteria provided, single submitter. Criteria: Invitae Variant Classification Sherloc (09022015). Collection method: clinical testing. Allele origin: germline.

Molecular Diagnostic Laboratory for Inherited Cardiovascular Disease, Montreal Heart Institute
Classification: Likely benign. Last evaluated: 2025-04-09. Review status: criteria provided, single submitter. Criteria: ACMG Guidelines, 2015. Collection method: clinical testing. Allele origin: germline. Affected: no.

Blueprint Genetics
Classification: Likely benign. Last evaluated: 2024-06-03. Review status: criteria provided, single submitter. Criteria: ACMG Guidelines, 2015. Collection method: clinical testing. Allele origin: germline.

GeneDx
Classification: Likely benign. Last evaluated: 2016-02-05. Review status: criteria provided, single submitter. Criteria: GeneDx Variant Classification (06012015). Collection method: clinical testing. Allele origin: germline. Affected: yes.
Comment: This variant is considered likely benign or benign based on one or more of the following criteria: it is a conservative change, it occurs at a poorly conserved position in the protein, it is predicted to be benign by multiple in silico algorithms, and/or has population frequency not consistent with disease.